The following is an entry in ClinVar:

ClinVar aggregate classification (germline): Pathogenic (1 of 4 stars; one submission).

Conditions:
Birt-Hogg-Dube syndrome. Also called: Birt Hogg Dubé syndrome. Identifiers: Orphanet 122, MedGen C0346010, MONDO:0800444.

Submission:

Genomic Diagnostic Laboratory, Division of Genomic Diagnostics, Children's Hospital of Philadelphia
Classification: Pathogenic for Birt-Hogg-Dube Syndrome. Last evaluated: 2016-07-18. Review status: criteria provided, single submitter. Criteria: DGD Variant Analysis Guidelines. Collection method: clinical testing. Allele origin: germline. Affected: yes. Observed: 1 variant allele.
Comment: Clinical Testing

NM_144997.7(FLCN):c.1528del (p.Glu510fs)

Gene: FLCN (folliculin; minus strand). Cytogenetic location: 17p11.2.
Variant type: Deletion.
Coding change: c.1528del on transcript NM_144997.7 (MANE Select); coding-DNA position 1528, one base deleted (G; older notation c.1528delG).
Protein change: p.Glu510fs; shifts the reading frame from glutamic acid 510.
Molecular consequence: frameshift variant.
Genome position (GRCh38, 1-based): chr17:17,214,995, C deleted on the plus strand (G on the coding strand, the reverse complement: FLCN is on the minus strand); the first of 2 consecutive C bases (chr17:17,214,995-17,214,996); deleting either gives the same sequence. VCF-style (leftmost placement, unchanged base first): chr17-17214994-TC-T. GRCh37 (hg19) VCF-style: chr17-17118308-TC-T.
Other names: c.1528del (LRG_325t1); c.1582del, p.Glu528fs (NM_001353229.2); c.1528del, p.Glu510fs (NM_001353230.2, NM_001353231.2); short protein forms E510fs, E528fs.
Identifiers: ClinVar variation 253255 (VCV000253255.2), dbSNP rs879255680, ClinGen allele CA10586249.
Genomic context (GRCh38, chr17:17,214,994, plus strand): 5'-GGTTTTCTCCAGGGTCGCAAGCAAAGGGGCCTCACCCACACTGTTGCTTACTTCATCCAC[TC>T]CTCCTTGAGGCAGACGAGGCACTGGTCCACCACATCCACAGACAGGTTCTGGTTGGTCAG-3'